The following is an entry in ClinVar:

NM_000334.4(SCN4A):c.3205G>A (p.Asp1069Asn)

Genes: GH-LCR (growth hormone locus control region; plus strand), SCN4A (sodium voltage-gated channel alpha subunit 4; minus strand). Cytogenetic location: 17q23.3.
Variant type: single nucleotide variant.
Coding change: c.3205G>A on transcript NM_000334.4 (MANE Select); coding-DNA position 3205, G replaced by A.
Protein change: p.Asp1069Asn; replaces aspartic acid 1069 with asparagine.
Molecular consequence: missense variant.
Genome position (GRCh38, 1-based): chr17:63,948,003, C>T on the plus strand (G>A on the coding strand, the complement: SCN4A is on the minus strand). VCF-style: chr17-63948003-C-T. GRCh37 (hg19) VCF-style: chr17-62025363-C-T.
Other names: short protein forms D1069N.
Identifiers: ClinVar variation 281372 (VCV000281372.22), dbSNP rs373150395, ClinGen allele CA8709348.

ClinVar aggregate classification (germline): Conflicting classifications of pathogenicity. Review status: criteria provided, conflicting classifications (1 of 4 stars). 4 submissions from 4 submitters: Pathogenic (1); Uncertain significance (3). Last evaluated 2026-02-04.

Conditions:
Potassium-aggravated myotonia. Also called: SODIUM CHANNEL MUSCLE DISEASE; MYOTONIA CONGENITA, ACETAZOLAMIDE-RESPONSIVE; MYOTONIA CONGENITA, ATYPICAL; Myotonia congenita, atypical, acetazolamide-responsive. Identifiers: Orphanet 612, Orphanet 99734, Orphanet 99735, Orphanet 99736, MedGen C2931826, MONDO:0018959, OMIM 608390.
Congenital myopathy 22A, classic (CMYO22A). Identifiers: MedGen C5830453, MONDO:0957247, OMIM 620351.
Congenital myopathy 22B, severe fetal (CMYO22B). Identifiers: MedGen C5830501, MONDO:0957265, OMIM 620369.
Hypokalemic periodic paralysis, type 2 (HOKPP2). Identifiers: Orphanet 681, MedGen C2750061, MONDO:0013234, OMIM 613345.
Paramyotonia congenita of Von Eulenburg. Also called: Paramyotonia Congenita; Eulenburg disease; Myotonia congenita intermittens; Von Eulenburg paramyotonia congenita; PARALYSIS PERIODICA PARAMYOTONICA. Identifiers: Orphanet 684, MedGen C0221055, MONDO:0008195, OMIM 168300. Disease mechanism: loss of function.
Hyperkalemic periodic paralysis. Also called: Familial hyperkalemic periodic paralysis; Gamstorp disease. Identifiers: Orphanet 682, MedGen C0238357, MONDO:0008224, OMIM 170500, HP:0007215.
Congenital myasthenic syndrome 16. Identifiers: Orphanet 590, MedGen C3280112, MONDO:0013620, OMIM 614198.

Allele frequency attached by ClinVar (database versions not stated): TOPMed 0.00001; gnomAD 0.00002; gnomAD exomes 0.00002 and 0.00001; ESP Exome Variant Server 0.00008; ExAC 0.00002.
gnomAD v4.1: 39 of 1,613,726 alleles (0.0024%); highest among the groups gnomAD compares: Non-Finnish European, 0.003%; no homozygotes.

Submissions (4):

GeneDx
Classification: Pathogenic. Last evaluated: 2026-02-04. Review status: criteria provided, single submitter. Criteria: GeneDx Variant Classification Process June 2021. Collection method: clinical testing. Allele origin: germline. Affected: yes.
Comment: Functional studies indicate that D1069N results in impaired channel function as sodium currents were reduced and the voltage dependence of the channel activation was shifted in the depolarizing direction (PMID: 26700687); Not observed at significant frequency in large population cohorts (gnomAD); In silico analysis supports that this missense variant has a deleterious effect on protein structure/function; This variant is associated with the following publications: (PMID: 26700687, 30476936, 27276562, 24778431, 17442264)

Labcorp Genetics (formerly Invitae), Labcorp
Classification: Uncertain significance for Hyperkalemic periodic paralysis. Last evaluated: 2026-01-09. Review status: criteria provided, single submitter. Criteria: Invitae Variant Classification Sherloc (09022015). Collection method: clinical testing. Allele origin: germline.
Comment: This sequence change replaces aspartic acid, which is acidic and polar, with asparagine, which is neutral and polar, at codon 1069 of the SCN4A protein (p.Asp1069Asn). This variant is present in population databases (rs373150395, gnomAD 0.003%). This missense change has been observed in individual(s) with autosomal recessive congenital myopathy (PMID: 26700687). In at least one individual the data is consistent with being in trans (on the opposite chromosome) from a pathogenic variant. It has also been observed to segregate with disease in related individuals. ClinVar contains an entry for this variant (Variation ID: 281372). Invitae Evidence Modeling of protein sequence and biophysical properties (such as structural, functional, and spatial information, amino acid conservation, physicochemical variation, residue mobility, and thermodynamic stability) has been performed for this missense variant. However, the output from this modeling did not meet the statistical confidence thresholds required to predict the impact of this variant on SCN4A protein function. Experimental studies are conflicting or provide insufficient evidence to determine the effect of this variant on SCN4A function (PMID: 24778431, 26700687). In summary, the available evidence is currently insufficient to determine the role of this variant in disease. Therefore, it has been classified as a Variant of Uncertain Significance.

Fulgent Genetics
Classification: Uncertain significance for Paramyotonia congenita of Von Eulenburg; Hyperkalemic periodic paralysis; Potassium-aggravated myotonia; Hypokalemic periodic paralysis, type 2; Congenital myasthenic syndrome 16; Congenital myopathy 22A, classic; Congenital myopathy 22B, severe fetal. Last evaluated: 2024-02-05. Review status: criteria provided, single submitter. Criteria: ACMG Guidelines, 2015. Collection method: clinical testing. Allele origin: germline.

Eurofins Ntd Llc (ga)
Classification: Uncertain significance. Last evaluated: 2015-06-11. Review status: criteria provided, single submitter. Criteria: EGL Classification Definitions 2015. Collection method: clinical testing. Allele origin: germline. Observed: 1 variant allele, 1 heterozygote.

Literature cited by the submitters: PubMed 26700687 (cited by Labcorp Genetics (formerly Invitae), Labcorp); PubMed 24778431 (cited by Labcorp Genetics (formerly Invitae), Labcorp).